The following is an entry in ClinVar:

NM_000543.5(SMPD1):c.314T>C (p.Leu105Pro)

Gene: SMPD1 (sphingomyelin phosphodiesterase 1; plus strand). Cytogenetic location: 11p15.4.
Variant type: single nucleotide variant.
Coding change: c.314T>C on transcript NM_000543.5 (MANE Select); coding-DNA position 314, T replaced by C.
Protein change: p.Leu105Pro; replaces leucine 105 with proline.
Molecular consequence: missense variant. On other transcripts: 5 prime UTR variant (1), non-coding transcript variant (2).
Genome position (GRCh38, 1-based): chr11:6,390,912, T>C. VCF-style: chr11-6390912-T-C. GRCh37 (hg19) VCF-style: chr11-6412142-T-C.
Other names: p.Leu105Pro; c.314T>C, p.Leu105Pro (NM_001007593.3, NM_001318087.2, NM_001365135.2); c.-648T>C (NM_001318088.2); short protein forms L105P.
Identifiers: ClinVar variation 556092 (VCV000556092.13), dbSNP rs751269562, ClinGen allele CA5852548.

ClinVar aggregate classification (germline): Pathogenic/Likely pathogenic. Review status: criteria provided, multiple submitters, no conflicts (2 of 4 stars). 9 submissions from 9 submitters: Pathogenic (6); Likely pathogenic (2). 1 of the submissions does not count toward it. Last evaluated 2025-12-24.

Conditions:
Niemann-Pick disease, type A. Also called: Infantile Neurovisceral ASMD (Niemann-Pick Disease Type A; NPD-A); SPHINGOMYELIN LIPIDOSIS; SPHINGOMYELINASE DEFICIENCY. Identifiers: Orphanet 77292, MedGen C0268242, MONDO:0009756, OMIM 257200. Disease mechanism: loss of function.
Niemann-Pick disease, type B. Also called: Chronic Visceral ASMD (Niemann-Pick Disease Type B; NPD-B). Identifiers: Orphanet 77293, MedGen C0268243, MONDO:0011871, OMIM 607616. Disease mechanism: loss of function.
Sphingomyelin/cholesterol lipidosis. Also called: Niemann-Pick disease. Identifiers: MedGen C0028064, MONDO:0001982.
SMPD1-related disorder. Also called: SMPD1-related condition.

Allele frequency attached by ClinVar (database versions not stated): gnomAD exomes below 0.00001; ExAC 0.00001.
gnomAD v4.1: 5 of 1,614,018 alleles (0.00031%); highest among the groups gnomAD compares: South Asian, 0.0022%; no homozygotes.

Submissions (9):

3billion
Classification: Likely pathogenic for SMPD1-related disorder. Last evaluated: 2025-12-24. Review status: criteria provided, single submitter. Criteria: ACMG Guidelines, 2015. Collection method: clinical testing. Allele origin: germline. Affected: yes.
Comment: The variant is observed at an extremely low frequency in the gnomAD v4.1.0 dataset (total allele frequency: <0.001%). Predicted Consequence/Location: Missense variant In silico tool predictions suggest damaging effect of the variant on gene or gene product [REVEL: 0.88 (>=0.6, sensitivity 0.68 and specificity 0.92)]. The same nucleotide change resulting in the same amino acid change has been previously reported as pathogenic/likely pathogenic with strong evidence (ClinVar ID: VCV000556092 /PMID: 15221801). Therefore, this variant is classified as Likely pathogenic according to the recommendation of ACMG/AMP guideline.

Natera, Inc.
Classification: Pathogenic for Niemann-Pick Disease, Types A/B. Last evaluated: 2025-05-21. Review status: criteria provided, single submitter. Criteria: Natera Variant Classification Schema (03/2026). Collection method: clinical testing. Allele origin: germline.
Comment: The c.314T>C variant in SMPD1 is a missense variant predicted to cause substitution of leucine to proline at amino acid 105. This variant is rare in the general population with a frequency below the threshold expected for the associated phenotype(s). This variant has been observed in one or more individuals affected with the associated recessive disease, as either homozygous or compound heterozygous with a second variant (PMID: 33971920, 27338287, 15221801). Computational prediction algorithms indicate this variant is likely to affect gene or protein function. Given the available evidence, this variant is classified as Pathogenic.

Foundation for Research in Genetics and Endocrinology, FRIGE's Institute of Human Genetics
Classification: Pathogenic for Niemann-Pick disease, type B. Last evaluated: 2025-04-03. Review status: criteria provided, single submitter. Criteria: ACMG Guidelines, 2015. Collection method: clinical testing. Allele origin: germline. Inheritance: Autosomal recessive inheritance. Affected: yes. Observed: 1 homozygote.
Comment: A homozygous missense variant in exon 1 of the SMPD1 gene that results in the amino acid substitution of Proline for Leucine at codon 105 was detected. The observed variant c.314T>C (p.Leu105Pro) has not been reported in the 1000 genomes databases and has a MAF of 0.0004% in the gnomAD database. This variant has previously been reported in patients affected with MPS I (PMID: 31941852). The in-silico prediction of the variant is deleterious by MutationTaster, FATHMM and DANN. In summary, the variant meets our criteria to be classified as pathogenic.

Women's Health and Genetics/Laboratory Corporation of America, LabCorp
Classification: Pathogenic for Sphingomyelin/cholesterol lipidosis. Last evaluated: 2025-03-18. Review status: criteria provided, single submitter. Criteria: LabCorp Variant Classification Summary - May 2015. Collection method: clinical testing. Allele origin: germline.
Comment: Variant summary: SMPD1 c.314T>C (p.Leu105Pro) results in a non-conservative amino acid change in the encoded protein sequence. Four of five in-silico tools predict a damaging effect of the variant on protein function. The variant allele was found at a frequency of 4e-06 in 249832 control chromosomes. c.314T>C has been reported in the literature in multiple homozygous and compound heterozygous individuals affected with Niemann-Pick Disease (e.g., Hollack_2012, Ranganath_2016, Cheema_2020, Deshpande_2021). These data indicate that the variant is very likely to be associated with disease. Multiple publications report experimental evidence evaluating an impact on protein function; the most pronounced variant effect results in approximately 2-3% of normal activity (Dardis_2005, Deshpande_2021). The following publications have been ascertained in the context of this evaluation (PMID: 33083013, 16010684, 34273913, 22818240, 27338287). ClinVar contains an entry for this variant (Variation ID: 556092). Based on the evidence outlined above, the variant was classified as pathogenic.

Labcorp Genetics (formerly Invitae), Labcorp
Classification: Pathogenic for Niemann-Pick disease, type B; Niemann-Pick disease, type A. Last evaluated: 2023-08-01. Review status: criteria provided, single submitter. Criteria: Invitae Variant Classification Sherloc (09022015). Collection method: clinical testing. Allele origin: germline.
Comment: This missense change has been observed in individual(s) with Niemann-Pick disease (PMID: 15221801, 22818240, 33083013, 34273913). This variant is also known as c.308T>C (p.L103P). This variant is present in population databases (rs751269562, gnomAD 0.0009%). This sequence change replaces leucine, which is neutral and non-polar, with proline, which is neutral and non-polar, at codon 105 of the SMPD1 protein (p.Leu105Pro). ClinVar contains an entry for this variant (Variation ID: 556092). Advanced modeling of protein sequence and biophysical properties (such as structural, functional, and spatial information, amino acid conservation, physicochemical variation, residue mobility, and thermodynamic stability) performed at Invitae indicates that this missense variant is expected to disrupt SMPD1 protein function. Experimental studies have shown that this missense change affects SMPD1 function (PMID: 16010684, 34273913). For these reasons, this variant has been classified as Pathogenic.

Fulgent Genetics
Classification: Likely pathogenic for Niemann-Pick disease, type A; Niemann-Pick disease, type B. Last evaluated: 2022-03-14. Review status: criteria provided, single submitter. Criteria: ACMG Guidelines, 2015. Collection method: clinical testing. Allele origin: unknown.

Diagnostics Division, CENTRE FOR DNA FINGERPRINTING AND DIAGNOSTICS
Classification: Pathogenic for Niemann-Pick disease, type A. Last evaluated: 2021-04-25. Review status: criteria provided, single submitter. Criteria: ACMG Guidelines, 2015. Collection method: research. Allele origin: germline. Affected: yes. Observed: 1 variant allele.

CENTOGENE GmbH and LLC - Guiding Precision Medicine
Classification: Pathogenic for Niemann-Pick disease, type A; Niemann-Pick disease, type B. Review status: criteria provided, single submitter. Criteria: ACMG Guidelines, 2015. Collection method: clinical testing. Allele origin: germline. Affected: yes.

Counsyl
Classification: Likely pathogenic for Niemann-Pick disease, type A. Last evaluated: 2018-01-11. Review status: no assertion criteria provided. Collection method: clinical testing. Allele origin: unknown. Not counted in ClinVar's aggregate classification.

Literature cited by the submitters: PubMed 15221801 (cited by 4 submitters); PubMed 33971920 (cited by Natera, Inc.); PubMed 27338287 (cited by 3 submitters); PubMed 31941852 (cited by Foundation for Research in Genetics and Endocrinology, FRIGE's Institute of Human Genetics); PubMed 22818240 (cited by 3 submitters); PubMed 16010684 (cited by 3 submitters); PubMed 33083013 (cited by Women's Health and Genetics/Laboratory Corporation of America, LabCorp and Labcorp Genetics (formerly Invitae), Labcorp); PubMed 34273913 (cited by Women's Health and Genetics/Laboratory Corporation of America, LabCorp and Labcorp Genetics (formerly Invitae), Labcorp); PubMed 27725636 (cited by Counsyl); PubMed 15241805 (cited by Counsyl).